The following is an entry in ClinVar:

ClinVar aggregate classification (germline): Uncertain significance (1 of 4 stars; one submission).

gnomAD v4.1: 11 of 1,613,502 alleles (0.00068%); highest among the groups gnomAD compares: Non-Finnish European, 0.00093%; no homozygotes.

Submission:

Labcorp Genetics (formerly Invitae), Labcorp
Classification: Uncertain significance. Last evaluated: 2024-06-08. Review status: criteria provided, single submitter. Criteria: Invitae Variant Classification Sherloc (09022015). Collection method: clinical testing. Allele origin: germline.
Comment: This sequence change replaces glutamic acid, which is acidic and polar, with glycine, which is neutral and non-polar, at codon 800 of the C7 protein (p.Glu800Gly). This variant is present in population databases (rs747707439, gnomAD 0.004%). This variant has not been reported in the literature in individuals affected with C7-related conditions. Advanced modeling of protein sequence and biophysical properties (such as structural, functional, and spatial information, amino acid conservation, physicochemical variation, residue mobility, and thermodynamic stability) performed at Invitae indicates that this missense variant is not expected to disrupt C7 protein function with a negative predictive value of 80%. Algorithms developed to predict the effect of sequence changes on RNA splicing suggest that this variant may disrupt the consensus splice site. In summary, the available evidence is currently insufficient to determine the role of this variant in disease. Therefore, it has been classified as a Variant of Uncertain Significance.

NM_000587.4(C7):c.2399A>G (p.Glu800Gly)

Gene: C7 (complement C7; plus strand). Cytogenetic location: 5p13.1.
Variant type: single nucleotide variant.
Coding change: c.2399A>G on transcript NM_000587.4 (MANE Select); coding-DNA position 2399, A replaced by G.
Protein change: p.Glu800Gly; replaces glutamic acid 800 with glycine.
Molecular consequence: missense variant.
Genome position (GRCh38, 1-based): chr5:40,981,440, A>G. VCF-style: chr5-40981440-A-G. GRCh37 (hg19) VCF-style: chr5-40981542-A-G.
Other names: short protein forms E800G.
Identifiers: ClinVar variation 3622434 (VCV003622434.2).
Genomic context (GRCh38, chr5:40,981,440, plus strand): 5'-TTACTTTTCCAGCTGAGAGCAGCAAATGTGTCTGCCGAGAAGCATCGGAGTGCGAGGAAG[A>G]AGGGTTTAGCATTTGTGTGGAAGTGAACGGCAAGGAGCAGACGATGTCTGAGTGTGAGGC-3'
Protein context (NP_000578.2, residues 790-810): VCREASECEE[Glu800Gly]GFSICVEVNG